The following is an entry in ClinVar:

ClinVar aggregate classification (germline): Uncertain significance (1 of 4 stars; one submission).

Allele frequency attached by ClinVar (database versions not stated): gnomAD exomes below 0.00001; ExAC 0.00001.
gnomAD v4.1: 1 of 1,614,156 alleles (0.000062%); highest among the groups gnomAD compares: Non-Finnish European, 0.000085%; no homozygotes.

Submission:

GeneDx
Classification: Uncertain significance. Last evaluated: 2019-06-18. Review status: criteria provided, single submitter. Criteria: GeneDx Variant Classification Process June 2021. Collection method: clinical testing. Allele origin: germline. Affected: yes.
Comment: Not observed at a significant frequency in large population cohorts (Lek et al., 2016); In silico analysis, which includes protein predictors and evolutionary conservation, supports that this variant does not alter protein structure/function; Has not been previously published as pathogenic or benign to our knowledge

NM_001377229.1(DISP1):c.3157G>C (p.Ala1053Pro)

Gene: DISP1 (dispatched RND transporter family member 1; plus strand). Cytogenetic location: 1q41.
Variant type: single nucleotide variant.
Coding change: c.3157G>C on transcript NM_001377229.1 (MANE Select); coding-DNA position 3157, G replaced by C.
Protein change: p.Ala1053Pro; replaces alanine 1053 with proline.
Molecular consequence: missense variant.
Genome position (GRCh38, 1-based): chr1:223,004,554, G>C. VCF-style: chr1-223004554-G-C. GRCh37 (hg19) VCF-style: chr1-223177896-G-C.
Other names: c.2428G>C, p.Ala810Pro (NM_001350630.2); c.3157G>C, p.Ala1053Pro (NM_001369594.1, NM_001377228.1, NM_032890.5); short protein forms A1053P, A810P.
Identifiers: ClinVar variation 1306389 (VCV001306389.2), dbSNP rs773636648, ClinGen allele CA1409354.
Genomic context (GRCh38, chr1:223,004,554, plus strand): 5'-GAGCTCAATGTGTTGGAATCTGTCACCATTTCGGTTGCCGTCGGCTTGTCTGTAGACTTT[G>C]CCGTCCATTATGGGGTTGCCTACCGCTTGGCTCCAGATCCCGACCGAGAAGGCAAAGTGA-3'
Protein context (NP_001364158.1, residues 1043-1063): SVAVGLSVDF[Ala1053Pro]VHYGVAYRLA